The following is an entry in ClinVar:

ClinVar aggregate classification (germline): Uncertain significance. Review status: criteria provided, multiple submitters, no conflicts (2 of 4 stars). 2 submissions from 2 submitters: Uncertain significance (2). Last evaluated 2025-11-13.

Conditions:
Hereditary cancer-predisposing syndrome. Also called: Hereditary Cancer Syndrome; Tumor predisposition; Neoplastic Syndromes, Hereditary; Hereditary neoplastic syndrome. Identifiers: Orphanet 140162, MedGen C0027672, MeSH D009386, MONDO:0015356.

Submissions (2):

Labcorp Genetics (formerly Invitae), Labcorp
Classification: Uncertain significance. Last evaluated: 2025-11-13. Review status: criteria provided, single submitter. Criteria: Invitae Variant Classification Sherloc (09022015). Collection method: clinical testing. Allele origin: germline.
Comment: This sequence change replaces arginine, which is basic and polar, with proline, which is neutral and non-polar, at codon 765 of the POLE protein (p.Arg765Pro). This variant is not present in population databases (gnomAD no frequency). This variant has not been reported in the literature in individuals affected with POLE-related conditions. ClinVar contains an entry for this variant (Variation ID: 864047). Invitae Evidence Modeling of protein sequence and biophysical properties (such as structural, functional, and spatial information, amino acid conservation, physicochemical variation, residue mobility, and thermodynamic stability) indicates that this missense variant is expected to disrupt POLE protein function with a positive predictive value of 80%. In summary, the available evidence is currently insufficient to determine the role of this variant in disease. Therefore, it has been classified as a Variant of Uncertain Significance.

Ambry Genetics
Classification: Uncertain significance for Hereditary cancer-predisposing syndrome. Last evaluated: 2022-06-07. Review status: criteria provided, single submitter. Criteria: Ambry Variant Classification Scheme 2023. Collection method: clinical testing. Allele origin: germline.
Comment: The p.R765P variant (also known as c.2294G>C), located in coding exon 20 of the POLE gene, results from a G to C substitution at nucleotide position 2294. The arginine at codon 765 is replaced by proline, an amino acid with dissimilar properties. This amino acid position is conserved. In addition, this alteration is predicted to be deleterious by in silico analysis. Since supporting evidence is limited at this time, the clinical significance of this alteration remains unclear.

NM_006231.4(POLE):c.2294G>C (p.Arg765Pro)

Gene: POLE (DNA polymerase epsilon, catalytic subunit; minus strand). Cytogenetic location: 12q24.33.
Variant type: single nucleotide variant.
Coding change: c.2294G>C on transcript NM_006231.4 (MANE Select); coding-DNA position 2294, G replaced by C.
Protein change: p.Arg765Pro; replaces arginine 765 with proline.
Molecular consequence: missense variant.
Genome position (GRCh38, 1-based): chr12:132,667,528, C>G on the plus strand (G>C on the coding strand, the complement: POLE is on the minus strand). VCF-style: chr12-132667528-C-G. GRCh37 (hg19) VCF-style: chr12-133244114-C-G.
Other names: short protein forms R765P.
Identifiers: ClinVar variation 864047 (VCV000864047.12), dbSNP rs1555227096, ClinGen allele CA387352122.